The following is an entry in ClinVar:

ClinVar aggregate classification (germline): Pathogenic (1 of 4 stars; one submission).

Conditions:
Ellis-van Creveld syndrome (EVC). Also called: MESOECTODERMAL DYSPLASIA; Chondroectodermal dysplasia. Identifiers: Orphanet 289, MedGen C0013903, MONDO:0009162, OMIM 225500.

Submission:

Myriad Genetics, Inc.
Classification: Pathogenic for Ellis-van Creveld syndrome. Last evaluated: 2024-08-11. Review status: criteria provided, single submitter. Criteria: Myriad Autosomal Dominant, Autosomal Recessive and X-Linked Classification Criteria (2023). Collection method: clinical testing. Allele origin: unknown.
Comment: NM_153717.2(EVC):c.22dupT(C8Lfs*65) is expected to be pathogenic in the context of EVC-related Ellis-van Creveld syndrome. This variant is predicted to lead to an abnormal or absent protein product due to the creation of a premature termination codon in EVC, a gene where loss-of-function variants are known to be pathogenic. Please note: this variant was assessed in the context of healthy population screening.

NM_153717.3(EVC):c.22dup (p.Cys8fs)

Genes: EVC (EvC ciliary complex subunit 1; plus strand), LOC129992144 (ATAC-STARR-seq lymphoblastoid silent region 15223; plus strand). Cytogenetic location: 4p16.2.
Variant type: Duplication.
Coding change: c.22dup on transcript NM_153717.3 (MANE Select); coding-DNA position 22, one base duplicated (T; older notation c.22dupT).
Protein change: p.Cys8fs; shifts the reading frame from cysteine 8.
Molecular consequence: frameshift variant.
Genome position (GRCh38, 1-based): chr4:5,711,402, T duplicated. VCF-style (leftmost placement, unchanged base first): chr4-5711401-C-CT. GRCh37 (hg19) VCF-style: chr4-5713128-C-CT.
Other names: c.22dup, p.Cys8fs (NM_001306090.2, NM_001306092.2); short protein forms C8fs.
Identifiers: ClinVar variation 5013441 (VCV005013441.1).